The following is an entry in ClinVar:

NM_001776.6(ENTPD1):c.656C>T (p.Thr219Ile)

Genes: ENTPD1 (ectonucleoside triphosphate diphosphohydrolase 1; plus strand), ENTPD1-AS1 (ENTPD1 antisense RNA 1; minus strand). Cytogenetic location: 10q24.1.
Variant type: single nucleotide variant.
Coding change: c.656C>T on transcript NM_001776.6 (MANE Select); coding-DNA position 656, C replaced by T.
Protein change: p.Thr219Ile; replaces threonine 219 with isoleucine.
Molecular consequence: missense variant.
Genome position (GRCh38, 1-based): chr10:95,845,439, C>T. VCF-style: chr10-95845439-C-T. GRCh37 (hg19) VCF-style: chr10-97605196-C-T.
Other names: c.677C>T, p.Thr226Ile (NM_001098175.2); c.692C>T, p.Thr231Ile (NM_001164178.1, NM_001320916.1); c.656C>T, p.Thr219Ile (NM_001164179.2); c.332C>T, p.Thr111Ile (NM_001164181.1, NM_001312654.1); c.242C>T, p.Thr81Ile (NM_001164182.2, NM_001164183.2); short protein forms T111I, T81I, T231I, T226I, T219I.
Identifiers: ClinVar variation 2195584 (VCV002195584.4), dbSNP rs764999960, ClinGen allele CA5621445.

ClinVar aggregate classification (germline): Uncertain significance (1 of 4 stars; one submission).

Conditions:
Hereditary spastic paraplegia 64. Also called: Spastic paraplegia 64, autosomal recessive; ENTPD1-Related Neurodevelopmental Disorder. Identifiers: Orphanet 401810, MedGen C3810289, MONDO:0014303, OMIM 615683.

Allele frequency attached by ClinVar (database versions not stated): gnomAD exomes below 0.00001; ExAC 0.00001; gnomAD 0.00001.
gnomAD v4.1: 6 of 1,614,090 alleles (0.00037%); highest among the groups gnomAD compares: Middle Eastern, 0.016%; no homozygotes.

Submission:

Labcorp Genetics (formerly Invitae), Labcorp
Classification: Uncertain significance for Hereditary spastic paraplegia 64. Last evaluated: 2022-05-28. Review status: criteria provided, single submitter. Criteria: Invitae Variant Classification Sherloc (09022015). Collection method: clinical testing. Allele origin: germline.
Comment: In summary, the available evidence is currently insufficient to determine the role of this variant in disease. Therefore, it has been classified as a Variant of Uncertain Significance. Algorithms developed to predict the effect of missense changes on protein structure and function (SIFT, PolyPhen-2, Align-GVGD) all suggest that this variant is likely to be disruptive. This variant has not been reported in the literature in individuals affected with ENTPD1-related conditions. This variant is not present in population databases (gnomAD no frequency). This sequence change replaces threonine, which is neutral and polar, with isoleucine, which is neutral and non-polar, at codon 219 of the ENTPD1 protein (p.Thr219Ile).